The following is an entry in ClinVar:

ClinVar aggregate classification (germline): Pathogenic. Review status: criteria provided, multiple submitters, no conflicts (2 of 4 stars). 6 submissions from 6 submitters: Pathogenic (4). 2 of the submissions do not count toward it. Last evaluated 2024-09-23.

Conditions:
KLHL3-related disorder. Also called: KLHL3-related condition.
Pseudohypoaldosteronism type 2D (PHA2D). Also called: FAMILIAL HYPERKALEMIC HYPERTENSION; PSEUDOHYPOALDOSTERONISM, TYPE IID, AUTOSOMAL DOMINANT OR RECESSIVE; Pseudohypoaldosteronism Type IID. Identifiers: Orphanet 300525, Orphanet 757, MedGen C3469605, MONDO:0013781, OMIM 614495.
Pseudohypoaldosteronism type 2A (PHA2A). Also called: GORDON HYPERKALEMIA-HYPERTENSION SYNDROME; HYPERTENSIVE HYPERKALEMIA, FAMILIAL. Identifiers: Orphanet 757, Orphanet 88938, MedGen C1840389, MONDO:0007772, OMIM 145260.

Submissions (6):

Blueprint Genetics
Classification: Pathogenic for KLHL3-related disorders. Last evaluated: 2024-09-23. Review status: criteria provided, single submitter. Criteria: ACMG Guidelines, 2015. Collection method: clinical testing. Allele origin: germline. Affected: yes. Observed: 4 variant alleles.

GeneDx
Classification: Pathogenic. Last evaluated: 2024-06-07. Review status: criteria provided, single submitter. Criteria: GeneDx Variant Classification Process June 2021. Collection method: clinical testing. Allele origin: germline. Affected: yes.
Comment: Not observed at significant frequency in large population cohorts (gnomAD); In silico analysis supports that this missense variant has a deleterious effect on protein structure/function; Also known as Arg496His; This variant is associated with the following publications: (PMID: 22406640, 24641320, 26607111, 23962426, 23453970, 23387299, 28743496, 25831548, 33682442, 28052936, 32203225, 36964972, 36028759, 25925082, 22266938, 27639857, 24821705)

Fulgent Genetics
Classification: Pathogenic for Pseudohypoaldosteronism type 2D. Last evaluated: 2024-05-25. Review status: criteria provided, single submitter. Criteria: ACMG Guidelines, 2015. Collection method: clinical testing. Allele origin: germline.

Labcorp Genetics (formerly Invitae), Labcorp
Classification: Pathogenic. Last evaluated: 2022-09-23. Review status: criteria provided, single submitter. Criteria: Invitae Variant Classification Sherloc (09022015). Collection method: clinical testing. Allele origin: germline.
Comment: This missense change has been observed in individuals with autosomal dominant pseudohypoaldosteronism type 2 (PMID: 22266938, 25925082). It has also been observed to segregate with disease in related individuals. ClinVar contains an entry for this variant (Variation ID: 30518). Advanced modeling of protein sequence and biophysical properties (such as structural, functional, and spatial information, amino acid conservation, physicochemical variation, residue mobility, and thermodynamic stability) performed at Invitae indicates that this missense variant is not expected to disrupt KLHL3 protein function. This variant disrupts the p.Arg528 amino acid residue in KLHL3. Other variant(s) that disrupt this residue have been determined to be pathogenic (PMID: 22266938). This suggests that this residue is clinically significant, and that variants that disrupt this residue are likely to be disease-causing. For these reasons, this variant has been classified as Pathogenic. This variant is not present in population databases (gnomAD no frequency). This sequence change replaces arginine, which is basic and polar, with histidine, which is basic and polar, at codon 528 of the KLHL3 protein (p.Arg528His).

OMIM
Classification: Pathogenic for PSEUDOHYPOALDOSTERONISM, TYPE IID, AUTOSOMAL DOMINANT. Last evaluated: 2014-10-01. Review status: no assertion criteria provided. Collection method: literature only. Allele origin: germline. Not counted in ClinVar's aggregate classification.

Richard Lifton Laboratory, Yale University School of Medicine
Classification: Pathogenic for Pseudohypoaldosteronism, type 2. Review status: no assertion criteria provided. Collection method: not provided. Allele origin: germline. Not counted in ClinVar's aggregate classification.
Comment: dominant;Kelch propeller domain
ClinVar note: Converted during submission from pathogenic to Pathogenic.

Literature cited by the submitters: PubMed 22266938 (cited by Labcorp Genetics (formerly Invitae), Labcorp and OMIM); PubMed 25925082 (cited by Labcorp Genetics (formerly Invitae), Labcorp); PubMed 22406640 (cited by OMIM); PubMed 24821705 (cited by OMIM).

NM_017415.3(KLHL3):c.1583G>A (p.Arg528His)

Gene: KLHL3 (kelch like family member 3; minus strand). Cytogenetic location: 5q31.2.
Variant type: single nucleotide variant.
Coding change: c.1583G>A on transcript NM_017415.3 (MANE Select); coding-DNA position 1583, G replaced by A.
Protein change: p.Arg528His; replaces arginine 528 with histidine.
Molecular consequence: missense variant.
Genome position (GRCh38, 1-based): chr5:137,628,305, C>T on the plus strand (G>A on the coding strand, the complement: KLHL3 is on the minus strand). VCF-style: chr5-137628305-C-T. GRCh37 (hg19) VCF-style: chr5-136963994-C-T.
Other names: c.1487G>A, p.Arg496His (NM_001257194.1); c.1337G>A, p.Arg446His (NM_001257195.2); c.1583G>A (NM_017415.2); short protein forms R528H, R446H, R496H.
Identifiers: ClinVar variation 30518 (VCV000030518.11), dbSNP rs199469636, ClinGen allele CA129303.